The following is an entry in ClinVar:

NM_182643.3(DLC1):c.2619C>A (p.Ser873Arg)

Gene: DLC1 (DLC1 Rho GTPase activating protein; minus strand). Cytogenetic location: 8p22.
Variant type: single nucleotide variant.
Coding change: c.2619C>A on transcript NM_182643.3 (MANE Select); coding-DNA position 2619, C replaced by A.
Protein change: p.Ser873Arg; replaces serine 873 with arginine.
Molecular consequence: missense variant.
Genome position (GRCh38, 1-based): chr8:13,099,718, G>T on the plus strand (C>A on the coding strand, the complement: DLC1 is on the minus strand). VCF-style: chr8-13099718-G-T. GRCh37 (hg19) VCF-style: chr8-12957227-G-T.
Other names: c.2619C>A (NM_182643.2); c.1086C>A, p.Ser362Arg (NM_001164271.2, NM_001348082.2, NM_001348083.1 and 6 more transcripts); c.1410C>A, p.Ser470Arg (NM_001316668.2, NM_001413129.1); c.2619C>A, p.Ser873Arg (NM_001348081.2, NM_001413124.1); c.1401C>A, p.Ser467Arg (NM_001413130.1); c.1059C>A, p.Ser353Arg (NM_001413131.1, NM_001413137.1); c.1545C>A, p.Ser515Arg (NM_001413132.1); c.1308C>A, p.Ser436Arg (NM_001413135.1, NM_001413136.1, NM_001413139.1 and 1 more transcripts); and 1 more; short protein forms S873R, S467R, S470R, S353R, S362R, S481R, S436R, S515R.
Identifiers: ClinVar variation 1937558 (VCV001937558.6), dbSNP rs1323843166, ClinGen allele CA370344716.

ClinVar aggregate classification (germline): Uncertain significance. Review status: criteria provided, multiple submitters, no conflicts (2 of 4 stars). 2 submissions from 2 submitters: Uncertain significance (2). Last evaluated 2025-05-03.

Allele frequency attached by ClinVar (database versions not stated): gnomAD exomes below 0.00001; TOPMed below 0.00001; gnomAD 0.00001.
gnomAD v4.1: 2 of 1,614,066 alleles (0.00012%); highest among the groups gnomAD compares: Admixed American, 0.0017%; no homozygotes.

Submissions (2):

Ambry Genetics
Classification: Uncertain significance. Last evaluated: 2025-05-03. Review status: criteria provided, single submitter. Criteria: Ambry Variant Classification Scheme 2023. Collection method: clinical testing. Allele origin: germline.

Labcorp Genetics (formerly Invitae), Labcorp
Classification: Uncertain significance. Last evaluated: 2022-12-20. Review status: criteria provided, single submitter. Criteria: Invitae Variant Classification Sherloc (09022015). Collection method: clinical testing. Allele origin: germline.
Comment: In summary, the available evidence is currently insufficient to determine the role of this variant in disease. Therefore, it has been classified as a Variant of Uncertain Significance. This sequence change replaces serine, which is neutral and polar, with arginine, which is basic and polar, at codon 873 of the DLC1 protein (p.Ser873Arg). This variant is not present in population databases (gnomAD no frequency). This variant has not been reported in the literature in individuals affected with DLC1-related conditions. Algorithms developed to predict the effect of missense changes on protein structure and function (SIFT, PolyPhen-2, Align-GVGD) all suggest that this variant is likely to be tolerated.